The following is an entry in ClinVar:

ClinVar aggregate classification (germline): Uncertain significance (1 of 4 stars; one submission).

Conditions:
MEGF10-related myopathy (CMYO10A). Also called: Congenital myopathy 10A, severe variant. Identifiers: Orphanet 439212, MedGen C3280679, MONDO:0013731, OMIM 614399.

Allele frequency attached by ClinVar (database versions not stated): gnomAD exomes below 0.00001; TOPMed 0.00001.
gnomAD v4.1: 4 of 1,613,918 alleles (0.00025%); highest among the groups gnomAD compares: Admixed American, 0.0033%; no homozygotes.

Submission:

Labcorp Genetics (formerly Invitae), Labcorp
Classification: Uncertain significance for MEGF10-related myopathy. Last evaluated: 2022-08-09. Review status: criteria provided, single submitter. Criteria: Invitae Variant Classification Sherloc (09022015). Collection method: clinical testing. Allele origin: germline.
Comment: This sequence change replaces threonine, which is neutral and polar, with alanine, which is neutral and non-polar, at codon 743 of the MEGF10 protein (p.Thr743Ala). This variant is present in population databases (no rsID available, gnomAD 0.003%). This variant has not been reported in the literature in individuals affected with MEGF10-related conditions. ClinVar contains an entry for this variant (Variation ID: 1037363). Algorithms developed to predict the effect of missense changes on protein structure and function are either unavailable or do not agree on the potential impact of this missense change (SIFT: "Deleterious"; PolyPhen-2: "Possibly Damaging"; Align-GVGD: "Class C0"). In summary, the available evidence is currently insufficient to determine the role of this variant in disease. Therefore, it has been classified as a Variant of Uncertain Significance.

NM_001256545.2(MEGF10):c.2227A>G (p.Thr743Ala)

Gene: MEGF10 (multiple EGF like domains 10; plus strand). Cytogenetic location: 5q23.2.
Variant type: single nucleotide variant.
Coding change: c.2227A>G on transcript NM_001256545.2 (MANE Select); coding-DNA position 2227, A replaced by G.
Protein change: p.Thr743Ala; replaces threonine 743 with alanine.
Molecular consequence: missense variant.
Genome position (GRCh38, 1-based): chr5:127,438,561, A>G. VCF-style: chr5-127438561-A-G. GRCh37 (hg19) VCF-style: chr5-126774253-A-G.
Other names: c.2227A>G, p.Thr743Ala (NM_032446.3); short protein forms T743A.
Identifiers: ClinVar variation 1037363 (VCV001037363.6), dbSNP rs1423139586, ClinGen allele CA360733051.
Genomic context (GRCh38, chr5:127,438,561, plus strand): 5'-TTCTGCAGCGCCTACGATGGGGAATGTAAATGCACTCCTGGCTGGACAGGGCTCTACTGC[A>G]CTCAGAGTAAGTGACAAGCCTTCTGAGGCTCACCAAGGGGAGCCTTGTCCAAGGAGGAAA-3'
Protein context (NP_001243474.1, residues 733-753): CTPGWTGLYC[Thr743Ala]QRCPLGFYGK